The following is an entry in ClinVar:

ClinVar aggregate classification (germline): Uncertain significance (1 of 4 stars; one submission).

Submission:

GeneDx
Classification: Uncertain significance. Last evaluated: 2023-11-21. Review status: criteria provided, single submitter. Criteria: GeneDx Variant Classification Process June 2021. Collection method: clinical testing. Allele origin: germline. Affected: yes.
Comment: Not observed at significant frequency in large population cohorts (gnomAD); In silico analysis supports that this missense variant does not alter protein structure/function; Has not been previously published as pathogenic or benign to our knowledge

NM_014991.6(WDFY3):c.2230T>C (p.Phe744Leu)

Genes: WDFY3 (WD repeat and FYVE domain containing 3; minus strand), WDFY3-AS1 (WDFY3 antisense RNA 1; plus strand). Cytogenetic location: 4q21.23.
Variant type: single nucleotide variant.
Coding change: c.2230T>C on transcript NM_014991.6 (MANE Select); coding-DNA position 2230, T replaced by C.
Protein change: p.Phe744Leu; replaces phenylalanine 744 with leucine.
Molecular consequence: missense variant.
Genome position (GRCh38, 1-based): chr4:84,810,002, A>G on the plus strand (T>C on the coding strand, the complement: WDFY3 is on the minus strand). VCF-style: chr4-84810002-A-G. GRCh37 (hg19) VCF-style: chr4-85731155-A-G.
Other names: short protein forms F744L.
Identifiers: ClinVar variation 3364767 (VCV003364767.1).